The following is an entry in ClinVar:

NM_000548.5(TSC2):c.5260-2del

Gene: TSC2 (TSC complex subunit 2; plus strand). Cytogenetic location: 16p13.3.
Variant type: Deletion.
Coding change: c.5260-2del on transcript NM_000548.5 (MANE Select); the canonical splice acceptor site of the intron before coding-DNA position 5260, one base deleted (A; older notation c.5260-2delA).
Molecular consequence: splice acceptor variant.
Genome position (GRCh38, 1-based): chr16:2,088,444, A deleted. VCF-style (leftmost placement, unchanged base first): chr16-2088443-CA-C. GRCh37 (hg19) VCF-style: chr16-2138444-CA-C.
Other names: c.3718-2del (NM_001406693.1, NM_001406692.1, NM_001406694.1); c.5152-2del (NM_001406667.1); c.5149-2del (NM_001406668.1); c.4660-2del (NM_001406680.1); c.4591-2del (NM_001406683.1, NM_001406682.1); c.4459-2del (NM_001406687.1, NM_001406688.1); c.3847-2del (NM_001406689.1); c.3787-2del (NM_001406690.1); and 27 more.
Identifiers: ClinVar variation 3723356 (VCV003723356.2).

ClinVar aggregate classification (germline): Uncertain significance (1 of 4 stars; one submission).

Conditions:
Tuberous sclerosis 2 (TSC2). Identifiers: Orphanet 805, MedGen C1860707, MONDO:0013199, OMIM 613254.

Submission:

Labcorp Genetics (formerly Invitae), Labcorp
Classification: Uncertain significance for Tuberous sclerosis 2. Last evaluated: 2024-10-21. Review status: criteria provided, single submitter. Criteria: Invitae Variant Classification Sherloc (09022015). Collection method: clinical testing. Allele origin: germline.
Comment: This sequence change affects a splice site in intron 41 of the TSC2 gene. While this variant is not anticipated to result in nonsense mediated decay, it likely alters RNA splicing and results in a disrupted protein product. This variant is not present in population databases (gnomAD no frequency). This variant has not been reported in the literature in individuals affected with TSC2-related conditions. Variants that disrupt the consensus splice site are a relatively common cause of aberrant splicing (PMID: 17576681, 9536098). Algorithms developed to predict the effect of sequence changes on RNA splicing suggest that this variant may disrupt the consensus splice site. In summary, the available evidence is currently insufficient to determine the role of this variant in disease. Therefore, it has been classified as a Variant of Uncertain Significance.

Literature cited by the submitters: PubMed 17576681; PubMed 9536098.